The following is an entry in ClinVar:

ClinVar aggregate classification (germline): Uncertain significance. Review status: criteria provided, multiple submitters, no conflicts (2 of 4 stars). 3 submissions from 3 submitters: Uncertain significance (2). 1 of the submissions does not count toward it. Last evaluated 2025-06-17.

Conditions:
KIDINS220-related disorder. Also called: KIDINS220-related condition.
Inborn genetic diseases. Identifiers: MedGen C0950123, MeSH D030342.

Allele frequency attached by ClinVar (database versions not stated): gnomAD exomes 0.00001 and 0.00002; ExAC 0.00002; TOPMed 0.00002; gnomAD 0.00003.
gnomAD v4.1: 34 of 1,614,064 alleles (0.0021%); highest among the groups gnomAD compares: African/African-American, 0.008%; no homozygotes.

Submissions (3):

Ambry Genetics
Classification: Uncertain significance for Inborn genetic diseases. Last evaluated: 2025-06-17. Review status: criteria provided, single submitter. Criteria: Ambry Variant Classification Scheme 2023. Collection method: clinical testing. Allele origin: germline.

Labcorp Genetics (formerly Invitae), Labcorp
Classification: Uncertain significance. Last evaluated: 2021-11-01. Review status: criteria provided, single submitter. Criteria: Invitae Variant Classification Sherloc (09022015). Collection method: clinical testing. Allele origin: germline.
Comment: This variant has not been reported in the literature in individuals affected with KIDINS220-related conditions. This sequence change replaces glycine, which is neutral and non-polar, with arginine, which is basic and polar, at codon 1624 of the KIDINS220 protein (p.Gly1624Arg). This variant is present in population databases (rs781524333, gnomAD 0.01%). Algorithms developed to predict the effect of missense changes on protein structure and function are either unavailable or do not agree on the potential impact of this missense change (SIFT: "Deleterious"; PolyPhen-2: "Benign"; Align-GVGD: "Class C0"). In summary, the available evidence is currently insufficient to determine the role of this variant in disease. Therefore, it has been classified as a Variant of Uncertain Significance.

PreventionGenetics, part of Exact Sciences
Classification: Uncertain significance for KIDINS220-related condition. Last evaluated: 2024-01-24. Review status: no assertion criteria provided. Collection method: clinical testing. Allele origin: germline. Not counted in ClinVar's aggregate classification.
Comment: The KIDINS220 c.4870G>A variant is predicted to result in the amino acid substitution p.Gly1624Arg. To our knowledge, this variant has not been reported in the literature. This variant is reported in 0.011% of alleles in individuals of East Asian descent in gnomAD. At this time, the clinical significance of this variant is uncertain due to the absence of conclusive functional and genetic evidence.

NM_020738.4(KIDINS220):c.4870G>A (p.Gly1624Arg)

Gene: KIDINS220 (kinase D interacting substrate 220; minus strand). Cytogenetic location: 2p25.1.
Variant type: single nucleotide variant.
Coding change: c.4870G>A on transcript NM_020738.4 (MANE Select); coding-DNA position 4870, G replaced by A.
Protein change: p.Gly1624Arg; replaces glycine 1624 with arginine.
Molecular consequence: missense variant. On other transcripts: intron variant (6).
Genome position (GRCh38, 1-based): chr2:8,731,166, C>T on the plus strand (G>A on the coding strand, the complement: KIDINS220 is on the minus strand). VCF-style: chr2-8731166-C-T. GRCh37 (hg19) VCF-style: chr2-8871296-C-T.
Other names: c.4873G>A, p.Gly1625Arg (NM_001348729.2); c.4816G>A, p.Gly1606Arg (NM_001348731.2); c.4813G>A, p.Gly1605Arg (NM_001348732.2); c.4702G>A, p.Gly1568Arg (NM_001348734.2); c.4699G>A, p.Gly1567Arg (NM_001348735.2); c.4573G>A, p.Gly1525Arg (NM_001348736.2); c.3882+2278G>A (NM_001348741.2, NM_001348742.2, NM_001348743.2); c.3996+2278G>A (NM_001348738.2); and 2 more; short protein forms G1525R, G1567R, G1606R, G1624R, G1605R, G1625R, G1568R.
Identifiers: ClinVar variation 1516363 (VCV001516363.9), dbSNP rs781524333, ClinGen allele CA1519295.
Genomic context (GRCh38, chr2:8,731,166, plus strand): 5'-ACATCCGAGCTATAATTGGATCTTGCAGGCCACTCAGGCTATGTGGGATTCCCCGCTTTC[C>T]GCTGTGACTGTCATCTTCCAGCTCTATGAGATTTGCCTTTTCAAGCTGGGAGTCATCCGC-3'
Protein context (NP_065789.1, residues 1614-1634): LIELEDDSHS[Gly1624Arg]KRGIPHSLSG